The following is an entry in ClinVar:

ClinVar aggregate classification (germline): Uncertain significance (1 of 4 stars; one submission).

Conditions:
Cardiovascular phenotype. Identifiers: MedGen CN230736.

gnomAD v4.1: 1 of 1,614,054 alleles (0.000062%); highest among the groups gnomAD compares: Non-Finnish European, 0.000085%; no homozygotes.

Submission:

Ambry Genetics
Classification: Uncertain significance for Cardiovascular phenotype. Last evaluated: 2025-09-04. Review status: criteria provided, single submitter. Criteria: Ambry Variant Classification Scheme 2023. Collection method: clinical testing. Allele origin: germline.
Comment: The p.F468L variant (also known as c.1404C>G), located in coding exon 9 of the CBL gene, results from a C to G substitution at nucleotide position 1404. The phenylalanine at codon 468 is replaced by leucine, an amino acid with highly similar properties. This amino acid position is conserved. In addition, this alteration is predicted to be tolerated by in silico analysis. Based on the available evidence, the clinical significance of this variant remains unclear.

NM_005188.4(CBL):c.1404C>G (p.Phe468Leu)

Gene: CBL (Cbl proto-oncogene; plus strand). Cytogenetic location: 11q23.3.
Variant type: single nucleotide variant.
Coding change: c.1404C>G on transcript NM_005188.4 (MANE Select); coding-DNA position 1404, C replaced by G.
Protein change: p.Phe468Leu; replaces phenylalanine 468 with leucine.
Molecular consequence: missense variant.
Genome position (GRCh38, 1-based): chr11:119,278,686, C>G. VCF-style: chr11-119278686-C-G. GRCh37 (hg19) VCF-style: chr11-119149396-C-G.
Other names: short protein forms F468L.
Identifiers: ClinVar variation 4219922 (VCV004219922.1).